The following is an entry in ClinVar:

NM_000194.3(HPRT1):c.77A>C (p.Asn26Thr)

Gene: HPRT1 (hypoxanthine phosphoribosyltransferase 1; plus strand). Cytogenetic location: Xq26.2.
Variant type: single nucleotide variant.
Coding change: c.77A>C on transcript NM_000194.3 (MANE Select); coding-DNA position 77, A replaced by C.
Protein change: p.Asn26Thr; replaces asparagine 26 with threonine.
Molecular consequence: missense variant.
Genome position (GRCh38, 1-based): chrX:134,473,408, A>C. VCF-style: chrX-134473408-A-C. GRCh37 (hg19) VCF-style: chrX-133607438-A-C.
Other names: short protein forms N26T.
Identifiers: ClinVar variation 1206274 (VCV001206274.7), dbSNP rs762739119, ClinGen allele CA10521331.

ClinVar aggregate classification (germline): Uncertain significance. Review status: criteria provided, multiple submitters, no conflicts (2 of 4 stars). 4 submissions from 4 submitters: Uncertain significance (2). 2 of the submissions do not count toward it. Last evaluated 2022-01-10.

Conditions:
Lesch-Nyhan syndrome (LNS). Also called: HPRT DEFICIENCY, COMPLETE; Lesch-Nyhan Disease (LND). Identifiers: Orphanet 510, MedGen C0023374, MONDO:0010298, OMIM 300322.
Partial hypoxanthine-guanine phosphoribosyltransferase deficiency. Also called: HPRT1 DEFICIENCY, PARTIAL; HPRT DEFICIENCY, PARTIAL; HYPOXANTHINE GUANINE PHOSPHORIBOSYLTRANSFERASE 1 DEFICIENCY, PARTIAL; Kelley-Seegmiller Syndrome; GOUT, HPRT-RELATED. Identifiers: Orphanet 79233, MedGen C0268117, MONDO:0010299, OMIM 300323.

Allele frequency attached by ClinVar (database versions not stated): ExAC 0.00001.
gnomAD v4.1: 42 of 1,196,766 alleles (0.0035%); highest among the groups gnomAD compares: Non-Finnish European, 0.0044%; no homozygotes.

Submissions (4):

Fulgent Genetics
Classification: Uncertain significance for Lesch-Nyhan syndrome; Partial hypoxanthine-guanine phosphoribosyltransferase deficiency. Last evaluated: 2022-01-10. Review status: criteria provided, single submitter. Criteria: ACMG Guidelines, 2015. Collection method: clinical testing. Allele origin: unknown.

Genetic Services Laboratory, University of Chicago
Classification: Uncertain significance. Last evaluated: 2020-05-04. Review status: criteria provided, single submitter. Criteria: ACMG Guidelines, 2015. Collection method: clinical testing. Allele origin: germline. Affected: no.
Comment: DNA sequence analysis of the HPRT1 gene demonstrated a sequence change, c.77A>C, in exon 2 that results in an amino acid change, p.Asn26Thr. This sequence change does not appear to have been previously described in patients with HPRT1-related disorders and has been described in the gnomAD database in three individuals (dbSNP rs762739119). The p.Asn26Thr change affects a poorly conserved amino acid residue located in a domain of the HPRT1 protein that is not known to be functional. In-silico pathogenicity prediction tools (SIFT, PolyPhen2, Align GVGD, REVEL) provide contradictory results for the p.Asn26Thr substitution. Due to these contrasting evidences and the lack of functional studies, the clinical significance of the p.Asn26Thr change remains unknown at this time.

Diagnostic Laboratory, Department of Genetics, University Medical Center Groningen
Classification: Uncertain significance. Review status: no assertion criteria provided. Collection method: clinical testing. Allele origin: germline. Affected: yes. Study: VKGL Data-share Consensus. Not counted in ClinVar's aggregate classification.

Laboratory of Diagnostic Genome Analysis, Leiden University Medical Center (LUMC)
Classification: Uncertain significance. Review status: no assertion criteria provided. Collection method: clinical testing. Allele origin: germline. Affected: yes. Study: VKGL Data-share Consensus. Not counted in ClinVar's aggregate classification.